The following is an entry in ClinVar:

NM_020738.4(KIDINS220):c.2597C>G (p.Pro866Arg)

Gene: KIDINS220 (kinase D interacting substrate 220; minus strand). Cytogenetic location: 2p25.1.
Variant type: single nucleotide variant.
Coding change: c.2597C>G on transcript NM_020738.4 (MANE Select); coding-DNA position 2597, C replaced by G.
Protein change: p.Pro866Arg; replaces proline 866 with arginine.
Molecular consequence: missense variant. On other transcripts: non-coding transcript variant (2).
Genome position (GRCh38, 1-based): chr2:8,778,913, G>C on the plus strand (C>G on the coding strand, the complement: KIDINS220 is on the minus strand). VCF-style: chr2-8778913-G-C. GRCh37 (hg19) VCF-style: chr2-8919043-G-C.
Other names: c.2600C>G, p.Pro867Arg (NM_001348729.2, NM_001348731.2, NM_001348734.2 and 3 more transcripts); c.2597C>G, p.Pro866Arg (NM_001348732.2, NM_001348735.2, NM_001348738.2 and 3 more transcripts); c.2471C>G, p.Pro824Arg (NM_001348736.2); short protein forms P824R, P866R, P867R.
Identifiers: ClinVar variation 2818068 (VCV002818068.3), dbSNP rs1309944602, ClinGen allele CA345759839.

ClinVar aggregate classification (germline): Uncertain significance (1 of 4 stars; one submission).

Submission:

Labcorp Genetics (formerly Invitae), Labcorp
Classification: Uncertain significance. Last evaluated: 2022-12-05. Review status: criteria provided, single submitter. Criteria: Invitae Variant Classification Sherloc (09022015). Collection method: clinical testing. Allele origin: germline.
Comment: Algorithms developed to predict the effect of missense changes on protein structure and function (SIFT, PolyPhen-2, Align-GVGD) all suggest that this variant is likely to be tolerated. This variant has not been reported in the literature in individuals affected with KIDINS220-related conditions. This variant is not present in population databases (gnomAD no frequency). This sequence change replaces proline, which is neutral and non-polar, with arginine, which is basic and polar, at codon 866 of the KIDINS220 protein (p.Pro866Arg). In summary, the available evidence is currently insufficient to determine the role of this variant in disease. Therefore, it has been classified as a Variant of Uncertain Significance.